The following is an entry in ClinVar:

NM_022124.6(CDH23):c.4299del (p.Val1434fs)

Gene: CDH23 (cadherin related 23; plus strand). Cytogenetic location: 10q22.1.
Variant type: Deletion.
Coding change: c.4299del on transcript NM_022124.6 (MANE Select); coding-DNA position 4299, one base deleted (T; older notation c.4299delT).
Protein change: p.Val1434fs; shifts the reading frame from valine 1434.
Molecular consequence: frameshift variant.
Genome position (GRCh38, 1-based): chr10:71,738,587, T deleted. VCF-style (leftmost placement, unchanged base first): chr10-71738586-CT-C. GRCh37 (hg19) VCF-style: chr10-73498343-CT-C.
Other names: short protein forms V1434fs.
Identifiers: ClinVar variation 1071246 (VCV001071246.7), dbSNP rs2132841517, ClinGen allele CA2499220331.
Genomic context (GRCh38, chr10:71,738,586, plus strand): 5'-ACAACAGCCCCCGGTTTGACTTCACCTCCGACTCGGCGGTCAGCATACCCGAGGACTGCC[CT>C]GTGGGCCAGCGAGTGGCTACTGTCAAGGCCTGGGACCCTGATGCTGGCAGCAATGGGCAG-3'

ClinVar aggregate classification (germline): Pathogenic (1 of 4 stars; one submission).

Submission:

Labcorp Genetics (formerly Invitae), Labcorp
Classification: Pathogenic. Last evaluated: 2020-07-07. Review status: criteria provided, single submitter. Criteria: Invitae Variant Classification Sherloc (09022015). Collection method: clinical testing. Allele origin: germline.
Comment: This variant has not been reported in the literature in individuals with CDH23-related conditions. This variant is not present in population databases (ExAC no frequency). This sequence change creates a premature translational stop signal (p.Val1434Trpfs*82) in the CDH23 gene. It is expected to result in an absent or disrupted protein product. For these reasons, this variant has been classified as Pathogenic. Loss-of-function variants in CDH23 are known to be pathogenic (PMID: 11138009, 21940737).

Literature cited by the submitters: PubMed 11138009; PubMed 21940737.